The following is an entry in ClinVar:

ClinVar aggregate classification (germline): Uncertain significance. Review status: criteria provided, multiple submitters, no conflicts (2 of 4 stars). 2 submissions from 2 submitters: Uncertain significance (2). Last evaluated 2025-08-21.

Conditions:
Inborn genetic diseases. Identifiers: MedGen C0950123, MeSH D030342.

Allele frequency attached by ClinVar (database versions not stated): ExAC 0.00001; gnomAD 0.00007; ESP Exome Variant Server 0.00015; TOPMed 0.00016.

Submissions (2):

Labcorp Genetics (formerly Invitae), Labcorp
Classification: Uncertain significance. Last evaluated: 2025-08-21. Review status: criteria provided, single submitter. Criteria: Invitae Variant Classification Sherloc (09022015). Collection method: clinical testing. Allele origin: germline.
Comment: This sequence change replaces arginine, which is basic and polar, with glutamine, which is neutral and polar, at codon 256 of the HPS6 protein (p.Arg256Gln). This variant is present in population databases (rs147531348, gnomAD 0.002%). This variant has not been reported in the literature in individuals affected with HPS6-related conditions. ClinVar contains an entry for this variant (Variation ID: 2256789). Invitae Evidence Modeling of protein sequence and biophysical properties (such as structural, functional, and spatial information, amino acid conservation, physicochemical variation, residue mobility, and thermodynamic stability) indicates that this missense variant is not expected to disrupt HPS6 protein function with a negative predictive value of 80%. In summary, the available evidence is currently insufficient to determine the role of this variant in disease. Therefore, it has been classified as a Variant of Uncertain Significance.

Ambry Genetics
Classification: Uncertain significance for Inborn genetic diseases. Last evaluated: 2021-10-26. Review status: criteria provided, single submitter. Criteria: Ambry Variant Classification Scheme 2023. Collection method: clinical testing. Allele origin: germline.

NM_024747.6(HPS6):c.767G>A (p.Arg256Gln)

Gene: HPS6 (HPS6 biogenesis of lysosomal organelles complex 2 subunit 3; plus strand). Cytogenetic location: 10q24.32.
Variant type: single nucleotide variant.
Coding change: c.767G>A on transcript NM_024747.6 (MANE Select); coding-DNA position 767, G replaced by A.
Protein change: p.Arg256Gln; replaces arginine 256 with glutamine.
Molecular consequence: missense variant.
Genome position (GRCh38, 1-based): chr10:102,066,241, G>A. VCF-style: chr10-102066241-G-A. GRCh37 (hg19) VCF-style: chr10-103825998-G-A.
Other names: short protein forms R256Q.
Identifiers: ClinVar variation 2256789 (VCV002256789.6), dbSNP rs147531348, ClinGen allele CA5659852.